The following is an entry in ClinVar:

ClinVar aggregate classification (germline): Conflicting classifications of pathogenicity. Review status: criteria provided, conflicting classifications (1 of 4 stars). 3 submissions from 3 submitters: Uncertain significance (2); Likely benign (1). Last evaluated 2025-03-05.

Conditions:
Familial sleep-related hypermotor epilepsy. Also called: Autosomal Dominant Sleep-Related Hypermotor (Hyperkinetic) Epilepsy. Identifiers: Orphanet 98784, MedGen C3696898, MONDO:0000030.

Submissions (3):

Labcorp Genetics (formerly Invitae), Labcorp
Classification: Likely benign. Last evaluated: 2025-03-05. Review status: criteria provided, single submitter. Criteria: Invitae Variant Classification Sherloc (09022015). Collection method: clinical testing. Allele origin: germline.

GeneDx
Classification: Uncertain significance. Last evaluated: 2024-02-06. Review status: criteria provided, single submitter. Criteria: GeneDx Variant Classification Process June 2021. Collection method: clinical testing. Allele origin: germline. Affected: yes.
Comment: In-frame duplication of 5 amino acids in a non-repeat region; Has not been previously published as pathogenic or benign to our knowledge

Athena Diagnostics
Classification: Uncertain significance. Last evaluated: 2017-03-06. Review status: criteria provided, single submitter. Criteria: Athena Diagnostics Criteria. Collection method: clinical testing. Allele origin: germline.

NM_000744.7(CHRNA4):c.38_52dup (p.Pro13_Leu17dup)

Genes: CHRNA4 (cholinergic receptor nicotinic alpha 4 subunit; minus strand), LOC100130587 (uncharacterized LOC100130587; plus strand). Cytogenetic location: 20q13.33.
Variant type: Duplication.
Coding change: c.38_52dup on transcript NM_000744.7 (MANE Select); coding-DNA positions 38 to 52, 15 bases duplicated (CGCCGCTGCTGCTGC).
Protein change: p.Pro13_Leu17dup.
Molecular consequence: inframe insertion. On other transcripts: non-coding transcript variant (1), intron variant (1).
Genome position (GRCh38, 1-based): chr20:63,361,114-63,361,128, GCAGCAGCAGCGGCG duplicated on the plus strand (CGCCGCTGCTGCTGC on the coding strand, the reverse complement: CHRNA4 is on the minus strand); duplicating any 15 consecutive bases within chr20:63,361,114-63,361,136 gives the same sequence; the c. name uses the placement nearest the transcript's 3' end. VCF-style (leftmost placement, unchanged base first): chr20-63361113-A-AGCAGCAGCAGCGGCG. GRCh37 (hg19) VCF-style: chr20-61992465-A-AGCAGCAGCAGCGGCG.
Other names: c.38_52dupCGCCGCTGCTGCTGC (NM_000744.6); c.-471+49_-471+63dup (NM_001256573.2); c.38_52dup (NM_000744.5).
Identifiers: ClinVar variation 447035 (VCV000447035.9), dbSNP rs771936944, ClinGen allele CA9958002.